The following is an entry in ClinVar:

ClinVar aggregate classification (germline): Likely benign. Review status: criteria provided, multiple submitters, no conflicts (2 of 4 stars). 3 submissions from 3 submitters: Likely benign (3). Last evaluated 2025-12-01.

Conditions:
Neuromuscular disease caused by qualitative or quantitative defects of dysferlin. Also called: Qualitative or quantitative defects of dysferlin; Dysferlinopathy. Identifiers: Orphanet 207073, MedGen C2931687, MONDO:0016145.

Allele frequency attached by ClinVar (database versions not stated): ExAC 0.00004; gnomAD 0.00004; gnomAD exomes 0.00004; TOPMed 0.00005; ESP Exome Variant Server 0.00008.
gnomAD v4.1: 105 of 1,614,076 alleles (0.0065%); highest among the groups gnomAD compares: Non-Finnish European, 0.0082%; no homozygotes.

Submissions (3):

Labcorp Genetics (formerly Invitae), Labcorp
Classification: Likely benign for Neuromuscular disease caused by qualitative or quantitative defects of dysferlin. Last evaluated: 2025-12-01. Review status: criteria provided, single submitter. Criteria: Invitae Variant Classification Sherloc (09022015). Collection method: clinical testing. Allele origin: germline.

Blueprint Genetics
Classification: Likely benign. Last evaluated: 2024-01-02. Review status: criteria provided, single submitter. Criteria: ACMG Guidelines, 2015. Collection method: clinical testing. Allele origin: germline.

GeneDx
Classification: Likely benign. Last evaluated: 2017-12-28. Review status: criteria provided, single submitter. Criteria: GeneDx Variant Classification (06012015). Collection method: clinical testing. Allele origin: germline. Affected: yes.
Comment: This variant is considered likely benign or benign based on one or more of the following criteria: it is a conservative change, it occurs at a poorly conserved position in the protein, it is predicted to be benign by multiple in silico algorithms, and/or has population frequency not consistent with disease.

NM_001130987.2(DYSF):c.3126G>A (p.Pro1042=)

Gene: DYSF (dysferlin; plus strand). Cytogenetic location: 2p13.2.
Variant type: single nucleotide variant.
Coding change: c.3126G>A on transcript NM_001130987.2 (MANE Select); coding-DNA position 3126, G replaced by A.
Protein change: p.Pro1042=; no amino-acid change (proline 1042 retained).
Molecular consequence: synonymous variant.
Genome position (GRCh38, 1-based): chr2:71,570,639, G>A. VCF-style: chr2-71570639-G-A. GRCh37 (hg19) VCF-style: chr2-71797769-G-A.
Other names: c.3075G>A, p.Pro1025= (NM_001130455.2, NM_001130983.2); c.3030G>A, p.Pro1010= (NM_001130976.2, NM_001130977.2); c.3072G>A, p.Pro1024= (NM_001130978.2, NM_003494.4); c.3165G>A, p.Pro1055= (NM_001130979.2); c.3123G>A, p.Pro1041= (NM_001130980.2, NM_001130981.2); c.3168G>A, p.Pro1056= (NM_001130982.2); c.3033G>A, p.Pro1011= (NM_001130984.2, NM_001130986.2); c.3126G>A, p.Pro1042= (NM_001130985.2).
Identifiers: ClinVar variation 471295 (VCV000471295.12), dbSNP rs377235191, ClinGen allele CA1706436.